The following is an entry in ClinVar:

ClinVar aggregate classification (germline): Benign/Likely benign. Review status: criteria provided, multiple submitters, no conflicts (2 of 4 stars). 5 submissions from 5 submitters: Benign (1); Likely benign (2). 2 of the submissions do not count toward it. Last evaluated 2026-01-24.

Conditions:
COL4A5-related disorder. Also called: COL4A5-related condition.
X-linked Alport syndrome (ATS1). Also called: NEPHROPATHY AND DEAFNESS, X-LINKED; COL4A5-Related Nephropathy. Identifiers: Orphanet 63, Orphanet 88917, MedGen C4746986, MONDO:0010520, OMIM 301050.

Allele frequency attached by ClinVar (database versions not stated): gnomAD 0.00005; gnomAD exomes 0.00006 and 0.00011; ExAC 0.00010; TOPMed 0.00011.
gnomAD v4.1: 71 of 1,205,639 alleles (0.0059%); highest among the groups gnomAD compares: Admixed American, 0.05%; no homozygotes.

Submissions (5):

Labcorp Genetics (formerly Invitae), Labcorp
Classification: Benign. Last evaluated: 2026-01-24. Review status: criteria provided, single submitter. Criteria: Invitae Variant Classification Sherloc (09022015). Collection method: clinical testing. Allele origin: germline.

CeGaT Center for Human Genetics Tuebingen
Classification: Likely benign. Last evaluated: 2022-07-01. Review status: criteria provided, single submitter. Criteria: CeGaT Center For Human Genetics Tuebingen Variant Classification Criteria Version 2. Collection method: clinical testing. Allele origin: germline. Affected: yes. Observed: 1 variant allele.
Comment: COL4A5: BP4, BP7

Blueprint Genetics
Classification: Likely benign. Last evaluated: 2020-01-23. Review status: criteria provided, single submitter. Criteria: ACMG Guidelines, 2015. Collection method: clinical testing. Allele origin: germline.

Natera, Inc.
Classification: Likely benign for X-linked Alport syndrome. Last evaluated: 2020-02-09. Review status: no assertion criteria provided. Collection method: clinical testing. Allele origin: germline. Not counted in ClinVar's aggregate classification.

PreventionGenetics, part of Exact Sciences
Classification: Likely benign for COL4A5-related condition. Last evaluated: 2019-05-20. Review status: no assertion criteria provided. Collection method: clinical testing. Allele origin: germline. Not counted in ClinVar's aggregate classification.
Comment: This variant is classified as likely benign based on ACMG/AMP sequence variant interpretation guidelines (Richards et al. 2015 PMID: 25741868, with internal and published modifications).

NM_033380.3(COL4A5):c.4209C>T (p.Gly1403=)

Gene: COL4A5 (collagen type IV alpha 5 chain; plus strand). Cytogenetic location: Xq22.3.
Variant type: single nucleotide variant.
Coding change: c.4209C>T on transcript NM_033380.3 (MANE Select); coding-DNA position 4209, C replaced by T.
Protein change: p.Gly1403=; no amino-acid change (glycine 1403 retained).
Molecular consequence: synonymous variant.
Genome position (GRCh38, 1-based): chrX:108,681,881, C>T. VCF-style: chrX-108681881-C-T. GRCh37 (hg19) VCF-style: chrX-107925111-C-T.
Other names: c.4191C>T, p.Gly1397= (NM_000495.5).
Identifiers: ClinVar variation 731394 (VCV000731394.38), dbSNP rs752953167, ClinGen allele CA10489303.